The following is an entry in ClinVar:

ClinVar aggregate classification (germline): Uncertain significance (1 of 4 stars; one submission).

Submission:

GeneDx
Classification: Uncertain significance. Last evaluated: 2024-12-17. Review status: criteria provided, single submitter. Criteria: GeneDx Variant Classification Process June 2021. Collection method: clinical testing. Allele origin: germline. Affected: yes.
Comment: Not observed at significant frequency in large population cohorts (gnomAD); In silico analysis supports a deleterious effect on splicing; Has not been previously published as pathogenic or benign to our knowledge; Variants in candidate genes are classified as variants of uncertain significance in accordance with ACMG guidelines (PMID: 25741868)

NM_001282874.2(SMARCA1):c.1278-9A>G

Gene: SMARCA1 (SNF2 related chromatin remodeling ATPase 1; minus strand). Cytogenetic location: Xq25.
Variant type: single nucleotide variant.
Coding change: c.1278-9A>G on transcript NM_001282874.2 (MANE Select); 9 bases into the intron before coding-DNA position 1278, A replaced by G.
Molecular consequence: intron variant.
Genome position (GRCh38, 1-based): chrX:129,498,080, T>C on the plus strand (A>G on the coding strand, the complement: SMARCA1 is on the minus strand). VCF-style: chrX-129498080-T-C. GRCh37 (hg19) VCF-style: chrX-128632057-T-C.
Other names: c.1278-9A>G (NM_001282875.2, NM_001378264.1, NM_001378263.1 and 3 more transcripts).
Identifiers: ClinVar variation 3906779 (VCV003906779.1).